The following is an entry in ClinVar:

NM_001379180.1(ESRRB):c.1006G>A (p.Ala336Thr)

Gene: ESRRB (estrogen related receptor beta; plus strand). Cytogenetic location: 14q24.3.
Variant type: single nucleotide variant.
Coding change: c.1006G>A on transcript NM_001379180.1 (MANE Select); coding-DNA position 1006, G replaced by A.
Protein change: p.Ala336Thr; replaces alanine 336 with threonine.
Molecular consequence: missense variant.
Genome position (GRCh38, 1-based): chr14:76,491,602, G>A. VCF-style: chr14-76491602-G-A. GRCh37 (hg19) VCF-style: chr14-76957945-G-A.
Other names: c.943G>A, p.Ala315Thr (NM_004452.4); short protein forms A315T, A336T.
Identifiers: ClinVar variation 227366 (VCV000227366.5), dbSNP rs876657463, ClinGen allele CA10576971.

ClinVar aggregate classification (germline): Conflicting classifications of pathogenicity. Review status: criteria provided, conflicting classifications (1 of 4 stars). 2 submissions from 2 submitters: Uncertain significance (1); Likely benign (1). Last evaluated 2025-06-29.

Allele frequency attached by ClinVar (database versions not stated): gnomAD 0.00001; TOPMed 0.00001; gnomAD exomes 0.00002.

Submissions (2):

GeneDx
Classification: Uncertain significance. Last evaluated: 2025-06-29. Review status: criteria provided, single submitter. Criteria: GeneDx Variant Classification Process June 2021. Collection method: clinical testing. Allele origin: germline. Affected: yes.
Comment: Not observed at significant frequency in large population cohorts (gnomAD); In silico analysis suggests that this missense variant does not alter protein structure/function; Has not been previously published as pathogenic or benign to our knowledge

Laboratory for Molecular Medicine, Mass General Brigham Personalized Medicine
Classification: Likely benign. Last evaluated: 2015-01-23. Review status: criteria provided, single submitter. Criteria: LMM Criteria. Collection method: clinical testing. Allele origin: germline. Observed: 1 variant allele.
Comment: p.Ala315Thr in exon 8 of ESRRB: This variant is not expected to have clinical si gnificance due to a lack of conservation across species, including mammals. Of n ote, multiple species have a threonine at this position despite high nearby amin o acid conservation. In addition, computational analyses (PolyPhen2, SIFT, Align GVGD) do not suggest a high likelihood of impact to the protein.